The following is an entry in ClinVar:

NM_016529.6(ATP8A2):c.3316dup (p.Glu1106fs)

Gene: ATP8A2 (ATPase phospholipid transporting 8A2). Cytogenetic location: 13q12.13.
Variant type: Duplication.
Coding change: c.3316dup on transcript NM_016529.6 (MANE Select); coding-DNA position 3316, one base duplicated.
Protein change: p.Glu1106fs; shifts the reading frame from glutamic acid 1106.
Molecular consequence: frameshift variant.
Genome position: GRCh38 VCF-style: chr13-25968616-A-AG. GRCh37 (hg19) VCF-style: chr13-26542754-A-AG.
Other names: c.3121dup, p.Glu1041fs (NM_001313741.1); c.3241dup, p.Glu1081fs (NM_001411005.1); c.3316dupG (NM_016529.6); short protein forms E1041fs, E1081fs, E1106fs.
Identifiers: ClinVar variation 3339979 (VCV003339979.1).

ClinVar aggregate classification (germline): Pathogenic (1 of 4 stars; one submission).

Conditions:
Cerebellar ataxia, impaired intellectual development, and dysequilibrium syndrome 4. Also called: CEREBELLAR ATAXIA AND MENTAL RETARDATION WITH OR WITHOUT QUADRUPEDAL LOCOMOTION 4; Cerebellar ataxia, mental retardation, and dysequilibrium syndrome 4; Cerebellar ataxia, intellectual disability, and dysequilibrium syndrome 4. Identifiers: Orphanet 1766, MedGen C3808977, MONDO:0014104, OMIM 615268.

Submission:

Women's Health and Genetics/Laboratory Corporation of America, LabCorp
Classification: Pathogenic for Cerebellar ataxia, impaired intellectual development, and dysequilibrium syndrome 4. Last evaluated: 2024-06-19. Review status: criteria provided, single submitter. Criteria: LabCorp Variant Classification Summary - May 2015. Collection method: clinical testing. Allele origin: germline.
Comment: Variant summary: ATP8A2 c.3316dupG (p.Glu1106GlyfsX17) results in a premature termination codon, predicted to cause a truncation of the encoded protein or absence of the protein due to nonsense mediated decay, which are commonly known mechanisms for disease. The variant was absent in 249018 control chromosomes. To our knowledge, no occurrence of c.3316dupG in individuals affected with Cerebellar Ataxia, Mental Retardation, And Dysequilibrium Syndrome 4 and no experimental evidence demonstrating its impact on protein function have been reported. No submitters have cited clinical-significance assessments for this variant to ClinVar. Based on the evidence outlined above, the variant was classified as pathogenic.